The following is an entry in ClinVar:

NM_000057.4(BLM):c.1720_1735del (p.Ala575fs)

Gene: BLM (BLM RecQ like helicase; plus strand). Cytogenetic location: 15q26.1.
Variant type: Deletion.
Coding change: c.1720_1735del on transcript NM_000057.4 (MANE Select); coding-DNA positions 1720 to 1735, 16 bases deleted (TTAGCAGCCAGCAAAT).
Protein change: p.Ala575fs; shifts the reading frame from alanine 575.
Molecular consequence: frameshift variant.
Genome position (GRCh38, 1-based): chr15:90,761,093-90,761,108, TTAGCAGCCAGCAAAT deleted; deleting any 16 consecutive bases within chr15:90,761,090-90,761,108 gives the same sequence; the c. name uses the placement nearest the transcript's 3' end. VCF-style (leftmost placement, unchanged base first): chr15-90761089-TAATTTAGCAGCCAGCA-T. GRCh37 (hg19) VCF-style: chr15-91304319-TAATTTAGCAGCCAGCA-T.
Other names: c.1720_1735del (LRG_20t1); c.1720_1735del, p.Ala575fs (NM_001287246.2, NM_001287247.2); c.595_610del, p.Ala200fs (NM_001287248.2); short protein forms A200fs, A575fs.
Identifiers: ClinVar variation 370265 (VCV000370265.9), dbSNP rs1057516361, ClinGen allele CA16041770.

ClinVar aggregate classification (germline): Pathogenic. Review status: criteria provided, single submitter (1 of 4 stars). 2 submissions from 2 submitters: Pathogenic (1). 1 of the submissions does not count toward it. Last evaluated 2021-12-01.

Conditions:
Bloom syndrome (BLM). Also called: Bloom-Torre-Machacek syndrome. Identifiers: Orphanet 125, MedGen C0005859, MONDO:0008876, OMIM 210900.

Submissions (2):

Labcorp Genetics (formerly Invitae), Labcorp
Classification: Pathogenic for Bloom syndrome. Last evaluated: 2021-12-01. Review status: criteria provided, single submitter. Criteria: Invitae Variant Classification Sherloc (09022015). Collection method: clinical testing. Allele origin: germline.
Comment: This sequence change creates a premature translational stop signal (p.Ala575Profs*38) in the BLM gene. It is expected to result in an absent or disrupted protein product. Loss-of-function variants in BLM are known to be pathogenic (PMID: 17407155). For these reasons, this variant has been classified as Pathogenic. ClinVar contains an entry for this variant (Variation ID: 370265). This variant has not been reported in the literature in individuals affected with BLM-related conditions. This variant is not present in population databases (gnomAD no frequency).

Counsyl
Classification: Likely pathogenic for Bloom syndrome. Last evaluated: 2015-12-30. Review status: no assertion criteria provided. Collection method: clinical testing. Allele origin: unknown. Not counted in ClinVar's aggregate classification.

Literature cited by the submitters: PubMed 17407155 (cited by Labcorp Genetics (formerly Invitae), Labcorp).